The following is an entry in ClinVar:

NM_032043.3(BRIP1):c.1071A>G (p.Glu357=)

Gene: BRIP1 (BRCA1 interacting DNA helicase 1; minus strand). Cytogenetic location: 17q23.2.
Variant type: single nucleotide variant.
Coding change: c.1071A>G on transcript NM_032043.3 (MANE Select); coding-DNA position 1071, A replaced by G.
Protein change: p.Glu357=; no amino-acid change (glutamic acid 357 retained).
Molecular consequence: synonymous variant.
Genome position (GRCh38, 1-based): chr17:61,801,322, T>C on the plus strand (A>G on the coding strand, the complement: BRIP1 is on the minus strand). VCF-style: chr17-61801322-T-C. GRCh37 (hg19) VCF-style: chr17-59878683-T-C.
Identifiers: ClinVar variation 183940 (VCV000183940.22), dbSNP rs761017296, ClinGen allele CA187050.

ClinVar aggregate classification (germline): Benign/Likely benign. Review status: criteria provided, multiple submitters, no conflicts (2 of 4 stars). 6 submissions from 6 submitters: Benign (2); Likely benign (4). Last evaluated 2025-11-05.

Conditions:
Breast and/or ovarian cancer. Identifiers: MedGen CN221562.
Hereditary cancer-predisposing syndrome. Also called: Tumor predisposition; Hereditary Cancer Syndrome; Hereditary neoplastic syndrome; Neoplastic Syndromes, Hereditary. Identifiers: Orphanet 140162, MedGen C0027672, MeSH D009386, MONDO:0015356.
Familial cancer of breast. Also called: BREAST CANCER, FAMILIAL; hereditary breast carcinoma; Hereditary breast cancer. Identifiers: Orphanet 227535, MedGen C0346153, MONDO:0016419, OMIM 114480. Disease mechanism: loss of function.
Fanconi anemia complementation group J. Also called: BRIP1-Related Fanconi Anemia. Identifiers: Orphanet 84, MedGen C1836860, MONDO:0012187, OMIM 609054.

Allele frequency attached by ClinVar (database versions not stated): ExAC 0.00001; gnomAD exomes 0.00001 and 0.00002.
gnomAD v4.1: 9 of 1,614,086 alleles (0.00056%); highest among the groups gnomAD compares: Non-Finnish European, 0.00076%; no homozygotes.

Submissions (6):

Labcorp Genetics (formerly Invitae), Labcorp
Classification: Likely benign for Familial cancer of breast; Fanconi anemia complementation group J. Last evaluated: 2025-11-05. Review status: criteria provided, single submitter. Criteria: Invitae Variant Classification Sherloc (09022015). Collection method: clinical testing. Allele origin: germline.

Myriad Genetics, Inc.
Classification: Benign for Familial cancer of breast. Last evaluated: 2024-08-23. Review status: criteria provided, single submitter. Criteria: Myriad Autosomal Dominant, Autosomal Recessive and X-Linked Classification Criteria (2023). Collection method: clinical testing. Allele origin: unknown.
Comment: This variant is considered benign. This variant is a silent/synonymous amino acid change and it is not expected to impact splicing.

CHEO Genetics Diagnostic Laboratory, Children's Hospital of Eastern Ontario
Classification: Likely benign for Breast and/or ovarian cancer. Last evaluated: 2022-01-18. Review status: criteria provided, single submitter. Criteria: ACMG Guidelines, 2015. Collection method: clinical testing. Allele origin: germline.

Color Diagnostics, LLC DBA Color Health
Classification: Likely benign for Hereditary cancer-predisposing syndrome. Last evaluated: 2016-02-25. Review status: criteria provided, single submitter. Criteria: ACMG Guidelines, 2015. Collection method: clinical testing. Allele origin: germline.

Ambry Genetics
Classification: Likely benign for Hereditary cancer-predisposing syndrome. Last evaluated: 2015-12-09. Review status: criteria provided, single submitter. Criteria: Ambry Variant Classification Scheme 2023. Collection method: clinical testing. Allele origin: germline.

GeneDx
Classification: Benign. Last evaluated: 2015-03-03. Review status: criteria provided, single submitter. Criteria: GeneDx Variant Classification (06012015). Collection method: clinical testing. Allele origin: germline. Affected: yes.